The following is an entry in ClinVar:

NM_000065.5(C6):c.792T>A (p.Asn264Lys)

Gene: C6 (complement C6; minus strand). Cytogenetic location: 5p13.1.
Variant type: single nucleotide variant.
Coding change: c.792T>A on transcript NM_000065.5 (MANE Select); coding-DNA position 792, T replaced by A.
Protein change: p.Asn264Lys; replaces asparagine 264 with lysine.
Molecular consequence: missense variant.
Genome position (GRCh38, 1-based): chr5:41,181,494, A>T on the plus strand (T>A on the coding strand, the complement: C6 is on the minus strand). VCF-style: chr5-41181494-A-T. GRCh37 (hg19) VCF-style: chr5-41181596-A-T.
Other names: c.792T>A, p.Asn264Lys (NM_001115131.4); short protein forms N264K.
Identifiers: ClinVar variation 1945021 (VCV001945021.5), dbSNP rs771644662, ClinGen allele CA359602029.

ClinVar aggregate classification (germline): Uncertain significance (1 of 4 stars; one submission).

gnomAD v4.1: 9 of 1,613,672 alleles (0.00056%); highest among the groups gnomAD compares: Non-Finnish European, 0.00076%; no homozygotes.

Submission:

Labcorp Genetics (formerly Invitae), Labcorp
Classification: Uncertain significance. Last evaluated: 2022-07-19. Review status: criteria provided, single submitter. Criteria: Invitae Variant Classification Sherloc (09022015). Collection method: clinical testing. Allele origin: germline.
Comment: In summary, the available evidence is currently insufficient to determine the role of this variant in disease. Therefore, it has been classified as a Variant of Uncertain Significance. Algorithms developed to predict the effect of missense changes on protein structure and function output the following: SIFT: "Tolerated"; PolyPhen-2: "Benign"; Align-GVGD: "Class C0". The lysine amino acid residue is found in multiple mammalian species, which suggests that this missense change does not adversely affect protein function. This variant has not been reported in the literature in individuals affected with C6-related conditions. This variant is not present in population databases (gnomAD no frequency). This sequence change replaces asparagine, which is neutral and polar, with lysine, which is basic and polar, at codon 264 of the C6 protein (p.Asn264Lys).